The following is an entry in ClinVar:

ClinVar aggregate classification (germline): Likely benign. Review status: criteria provided, multiple submitters, no conflicts (2 of 4 stars). 5 submissions from 5 submitters: Likely benign (5). Last evaluated 2025-12-08.

Conditions:
Cardiovascular phenotype. Identifiers: MedGen CN230736.
Legius syndrome. Identifiers: Orphanet 137605, MedGen C1969623, MONDO:0012669, OMIM 611431. Disease mechanism: loss of function.

Allele frequency attached by ClinVar (database versions not stated): gnomAD 0.00001; gnomAD exomes 0.00001; TOPMed 0.00002; ExAC 0.00004.
gnomAD v4.1: 25 of 1,608,756 alleles (0.0016%); highest among the groups gnomAD compares: South Asian, 0.0044%; no homozygotes.

Submissions (5):

Labcorp Genetics (formerly Invitae), Labcorp
Classification: Likely benign for Legius syndrome. Last evaluated: 2025-12-08. Review status: criteria provided, single submitter. Criteria: Invitae Variant Classification Sherloc (09022015). Collection method: clinical testing. Allele origin: germline.

Blueprint Genetics
Classification: Likely benign. Last evaluated: 2024-10-23. Review status: criteria provided, single submitter. Criteria: ACMG Guidelines, 2015. Collection method: clinical testing. Allele origin: germline.

CeGaT Center for Human Genetics Tuebingen
Classification: Likely benign. Last evaluated: 2023-04-01. Review status: criteria provided, single submitter. Criteria: CeGaT Center For Human Genetics Tuebingen Variant Classification Criteria Version 2. Collection method: clinical testing. Allele origin: germline. Affected: yes. Observed: 1 variant allele.
Comment: SPRED1: BP4, BP7

GeneDx
Classification: Likely benign. Last evaluated: 2016-04-11. Review status: criteria provided, single submitter. Criteria: GeneDx Variant Classification (06012015). Collection method: clinical testing. Allele origin: germline. Affected: yes.
Comment: This variant is considered likely benign or benign based on one or more of the following criteria: it is a conservative change, it occurs at a poorly conserved position in the protein, it is predicted to be benign by multiple in silico algorithms, and/or has population frequency not consistent with disease.

Ambry Genetics
Classification: Likely benign for Cardiovascular phenotype. Last evaluated: 2015-09-09. Review status: criteria provided, single submitter. Criteria: Ambry Variant Classification Scheme 2023. Collection method: clinical testing. Allele origin: germline.

NM_152594.3(SPRED1):c.384C>T (p.Pro128=)

Gene: SPRED1 (sprouty related EVH1 domain containing 1; plus strand). Cytogenetic location: 15q14.
Variant type: single nucleotide variant.
Coding change: c.384C>T on transcript NM_152594.3 (MANE Select); coding-DNA position 384, C replaced by T.
Protein change: p.Pro128=; no amino-acid change (proline 128 retained).
Molecular consequence: synonymous variant.
Genome position (GRCh38, 1-based): chr15:38,324,770, C>T. VCF-style: chr15-38324770-C-T. GRCh37 (hg19) VCF-style: chr15-38616971-C-T.
Identifiers: ClinVar variation 385514 (VCV000385514.36), dbSNP rs761058615, ClinGen allele CA7470064.